The following is an entry in ClinVar:

NM_004984.4(KIF5A):c.2670del (p.Lys890fs)

Gene: KIF5A (kinesin family member 5A; plus strand). Cytogenetic location: 12q13.3.
Variant type: Deletion.
Coding change: c.2670del on transcript NM_004984.4 (MANE Select); coding-DNA position 2670, one base deleted (G; older notation c.2670delG).
Protein change: p.Lys890fs; shifts the reading frame from lysine 890.
Molecular consequence: frameshift variant.
Genome position (GRCh38, 1-based): chr12:57,581,087, G deleted. VCF-style (leftmost placement, unchanged base first): chr12-57581086-AG-A. GRCh37 (hg19) VCF-style: chr12-57974869-AG-A.
Other names: c.2403del, p.Lys801fs (NM_001354705.2); c.2670delG (NM_004984.4); short protein forms K801fs, K890fs.
Identifiers: ClinVar variation 3773746 (VCV003773746.1).
Genomic context (GRCh38, chr12:57,581,086, plus strand): 5'-AGAGAGTTAAGGCCCTGGAGGGTGCACTGAAGGAGGCCAAGGAGGGCGCCATGAAGGACA[AG>A]CGCCGGTACCAGCAGGAGGTGGACCGCATCAAGGAGGCCGTTCGCTACAAGAGCTCGGGC-3'

ClinVar aggregate classification (germline): Likely pathogenic (1 of 4 stars; one submission).

Conditions:
Myoclonus, intractable, neonatal (NEIMY). Identifiers: MedGen C4310658, MONDO:0014979, OMIM 617235.

Submission:

Molecular Genetics, Royal Melbourne Hospital
Classification: Likely pathogenic for Myoclonus, intractable, neonatal. Last evaluated: 2024-12-06. Review status: criteria provided, single submitter. Criteria: ACMG Guidelines, 2015. Collection method: clinical testing. Allele origin: germline. Inheritance: Autosomal dominant inheritance. Affected: yes.
Comment: This sequence change is predicted to cause a change in the length of the KIF5A protein due to the loss of the termination codon leading to a C-terminal protein elongation of 14 amino acids, p.(Lys890Asnfs*158). This variant is absent from the population database gnomAD v4.1. To our knowledge, this variant is novel and has not been previously reported in the relevant scientific literature or databases. The frameshift variants that have been reported in individuals with neonatal intractable myoclonus all lead to a C-terminal protein elongation of 14 amino acids similar to this variant (PMID: 27414745, 27463701, 39333504; ClinVar: 2584453, 2663931). The expected mechanism of disease is a combination of dominant-negative effects and toxic gain-of-function. Based on the classification scheme RMH Modified ACMG/AMP Guidelines v1.7.0, this variant is classified as LIKELY PATHOGENIC. Following criteria are met: PM2_Supporting, PM4, PS1.

Literature cited by the submitters: PubMed 27414745; PubMed 27463701; PubMed 39333504.